The following is an entry in ClinVar:

ClinVar aggregate classification (germline): Likely benign. Review status: criteria provided, multiple submitters, no conflicts (2 of 4 stars). 3 submissions from 3 submitters: Likely benign (3). Last evaluated 2025-08-01.

Conditions:
Inborn genetic diseases. Identifiers: MedGen C0950123, MeSH D030342.
Drash syndrome (DDS). Also called: NEPHROPATHY, WILMS TUMOR, AND GENITAL ANOMALIES; WILMS TUMOR AND PSEUDO- OR TRUE HERMAPHRODITISM. Identifiers: Orphanet 220, MedGen C0950121, MONDO:0008682, OMIM 194080.
Frasier syndrome. Identifiers: Orphanet 347, MedGen C0950122, MeSH D052159, MONDO:0007635, OMIM 136680.
Wilms tumor 1 (WT1). Also called: Wilms tumor, somatic. Identifiers: Orphanet 654, MedGen CN033288, MONDO:0008679, OMIM 194070.
11p partial monosomy syndrome (WAGR). Also called: CHROMOSOME 11p13 DELETION SYNDROME; WAGR Spectrum Disorder; WAGR syndrome; WAGR Complex. Identifiers: Orphanet 893, MedGen C0206115, MONDO:0008681, OMIM 194072.

Submissions (3):

CeGaT Center for Human Genetics Tuebingen
Classification: Likely benign. Last evaluated: 2025-08-01. Review status: criteria provided, single submitter. Criteria: CeGaT Center For Human Genetics Tuebingen Variant Classification Criteria Version 2. Collection method: clinical testing. Allele origin: germline. Affected: yes. Observed: 1 variant allele.
Comment: WT1: PM2:Supporting, BP4, BP7

Ambry Genetics
Classification: Likely benign for Inborn genetic diseases. Last evaluated: 2024-11-30. Review status: criteria provided, single submitter. Criteria: Ambry Variant Classification Scheme 2023. Collection method: clinical testing. Allele origin: germline.

Labcorp Genetics (formerly Invitae), Labcorp
Classification: Likely benign for Wilms tumor 1; Drash syndrome; 11p partial monosomy syndrome; Frasier syndrome. Last evaluated: 2020-07-26. Review status: criteria provided, single submitter. Criteria: Invitae Variant Classification Sherloc (09022015). Collection method: clinical testing. Allele origin: germline.

NM_024426.6(WT1):c.582A>C (p.Ser194=)

Genes: WT1 (WT1 transcription factor; minus strand), LOC107982234 (WT1/WT1-AS bi-directional promoter region; plus strand). Cytogenetic location: 11p13.
Variant type: single nucleotide variant.
Coding change: c.582A>C on transcript NM_024426.6 (MANE Select); coding-DNA position 582, A replaced by C.
Protein change: p.Ser194=; no amino-acid change (serine 194 retained).
Molecular consequence: synonymous variant. On other transcripts: non-coding transcript variant (1).
Genome position (GRCh38, 1-based): chr11:32,434,779, T>G on the plus strand (A>C on the coding strand, the complement: WT1 is on the minus strand). VCF-style: chr11-32434779-T-G. GRCh37 (hg19) VCF-style: chr11-32456325-T-G.
Other names: c.567A>C (NM_024426.4); c.582A>C, p.Ser194= (NM_000378.6, NM_024424.5).
Identifiers: ClinVar variation 1159484 (VCV001159484.18), dbSNP rs1302907380, ClinGen allele CA473571353.